The following is an entry in ClinVar:

NM_000540.3(RYR1):c.14647-5C>T

Gene: RYR1 (ryanodine receptor 1; plus strand). Cytogenetic location: 19q13.2.
Variant type: single nucleotide variant.
Coding change: c.14647-5C>T on transcript NM_000540.3 (MANE Select); 5 bases into the intron before coding-DNA position 14647, C replaced by T.
Molecular consequence: intron variant.
Genome position (GRCh38, 1-based): chr19:38,584,938, C>T. VCF-style: chr19-38584938-C-T. GRCh37 (hg19) VCF-style: chr19-39075578-C-T.
Other names: c.14632-5C>T (NM_001042723.2).
Identifiers: ClinVar variation 698362 (VCV000698362.10), dbSNP rs749356978, ClinGen allele CA061492.

ClinVar aggregate classification (germline): Likely benign. Review status: criteria provided, multiple submitters, no conflicts (2 of 4 stars). 3 submissions from 3 submitters: Likely benign (3). Last evaluated 2025-03-04.

Conditions:
RYR1-related disorder. Also called: RYR1-related disorders; RYR1-related condition. Identifiers: MedGen CN239331.
Malignant hyperthermia, susceptibility to, 1 (MHS1). Also called: Malignant hyperthermia suceptibility 1; Anesthesia related hyperthermia; Malignant hyperpyrexia; Fulminating hyperpyrexia; Pharmacogenic myopathy; RYR1-Related Malignant Hyperthermia Susceptibility. Identifiers: Orphanet 423, MedGen C2930980, MONDO:0007783, OMIM 145600.

Allele frequency attached by ClinVar (database versions not stated): ExAC 0.00001; gnomAD exomes 0.00001 and 0.00002; gnomAD 0.00003; TOPMed 0.00004.
gnomAD v4.1: 8 of 1,613,766 alleles (0.0005%); highest among the groups gnomAD compares: African/African-American, 0.0053%; no homozygotes.

Submissions (3):

Labcorp Genetics (formerly Invitae), Labcorp
Classification: Likely benign for RYR1-related disorder. Last evaluated: 2025-03-04. Review status: criteria provided, single submitter. Criteria: Invitae Variant Classification Sherloc (09022015). Collection method: clinical testing. Allele origin: germline.

All of Us Research Program, National Institutes of Health
Classification: Likely benign for Malignant hyperthermia, susceptibility to, 1. Last evaluated: 2023-11-28. Review status: criteria provided, single submitter. Criteria: ACMG Guidelines, 2015. Collection method: clinical testing. Allele origin: germline. Inheritance: Autosomal dominant inheritance. Observed: 4 variant alleles, 4 heterozygotes.
Comment: This study involves interpretation of variants in research participants for the purpose of population health screening. Participant phenotype was not available at the time of variant classification. Additional details can be found in publication PMID: 35346344, PMCID: PMC8962531

Blueprint Genetics
Classification: Likely benign. Last evaluated: 2019-12-16. Review status: criteria provided, single submitter. Criteria: ACMG Guidelines, 2015. Collection method: clinical testing. Allele origin: germline.